The following is an entry in ClinVar:

NM_000245.4(MET):c.117G>A (p.Met39Ile)

Gene: MET (MET proto-oncogene, receptor tyrosine kinase; plus strand). Cytogenetic location: 7q31.2.
Variant type: single nucleotide variant.
Coding change: c.117G>A on transcript NM_000245.4 (MANE Select); coding-DNA position 117, G replaced by A.
Protein change: p.Met39Ile; replaces methionine 39 with isoleucine.
Molecular consequence: missense variant. On other transcripts: intron variant (1).
Genome position (GRCh38, 1-based): chr7:116,699,201, G>A. VCF-style: chr7-116699201-G-A. GRCh37 (hg19) VCF-style: chr7-116339255-G-A.
Other names: c.117G>A, p.Met39Ile (NM_001127500.3, NM_001324401.3); c.-91+26624G>A (NM_001324402.2); short protein forms M39I.
Identifiers: ClinVar variation 2090262 (VCV002090262.6), dbSNP rs2116580621, ClinGen allele CA368968376.

ClinVar aggregate classification (germline): Conflicting classifications of pathogenicity. Review status: criteria provided, conflicting classifications (1 of 4 stars). 2 submissions from 2 submitters: Uncertain significance (1); Likely benign (1). Last evaluated 2026-07-08.

Conditions:
Renal cell carcinoma. Identifiers: Orphanet 217071, MedGen C0007134, MeSH D002292, MONDO:0005086, HP:0005584.
Hereditary cancer-predisposing syndrome. Also called: Tumor predisposition; Hereditary Cancer Syndrome; Hereditary neoplastic syndrome; Neoplastic Syndromes, Hereditary. Identifiers: Orphanet 140162, MedGen C0027672, MeSH D009386, MONDO:0015356.

Submissions (2):

Ambry Genetics
Classification: Likely benign for Hereditary cancer-predisposing syndrome. Last evaluated: 2026-07-08. Review status: criteria provided, single submitter. Criteria: Ambry Variant Classification Scheme 2023. Collection method: clinical testing. Allele origin: germline.

Labcorp Genetics (formerly Invitae), Labcorp
Classification: Uncertain significance for Renal cell carcinoma. Last evaluated: 2024-11-20. Review status: criteria provided, single submitter. Criteria: Invitae Variant Classification Sherloc (09022015). Collection method: clinical testing. Allele origin: germline.
Comment: This sequence change replaces methionine, which is neutral and non-polar, with isoleucine, which is neutral and non-polar, at codon 39 of the MET protein (p.Met39Ile). This variant is not present in population databases (gnomAD no frequency). This variant has not been reported in the literature in individuals affected with MET-related conditions. ClinVar contains an entry for this variant (Variation ID: 2090262). Invitae Evidence Modeling of protein sequence and biophysical properties (such as structural, functional, and spatial information, amino acid conservation, physicochemical variation, residue mobility, and thermodynamic stability) indicates that this missense variant is not expected to disrupt MET protein function with a negative predictive value of 80%. In summary, the available evidence is currently insufficient to determine the role of this variant in disease. Therefore, it has been classified as a Variant of Uncertain Significance.